The following is an entry in ClinVar:

ClinVar aggregate classification (germline): Pathogenic (1 of 4 stars; one submission).

Submission:

Labcorp Genetics (formerly Invitae), Labcorp
Classification: Pathogenic. Last evaluated: 2023-10-19. Review status: criteria provided, single submitter. Criteria: Invitae Variant Classification Sherloc (09022015). Collection method: clinical testing. Allele origin: germline.
Comment: This sequence change creates a premature translational stop signal (p.Lys359Argfs*34) in the PHEX gene. It is expected to result in an absent or disrupted protein product. Loss-of-function variants in PHEX are known to be pathogenic (PMID: 9097956, 9106524, 19219621). This variant is not present in population databases (gnomAD no frequency). This variant has not been reported in the literature in individuals affected with PHEX-related conditions. For these reasons, this variant has been classified as Pathogenic.

Literature cited by the submitters: PubMed 9097956; PubMed 9106524; PubMed 19219621.

NM_000444.6(PHEX):c.1076del (p.Lys359fs)

Gene: PHEX (phosphate regulating endopeptidase X-linked; plus strand). Cytogenetic location: Xp22.11.
Variant type: Deletion.
Coding change: c.1076del on transcript NM_000444.6 (MANE Select); coding-DNA position 1076, one base deleted (A; older notation c.1076delA).
Protein change: p.Lys359fs; shifts the reading frame from lysine 359.
Molecular consequence: frameshift variant.
Genome position (GRCh38, 1-based): chrX:22,099,148, A deleted; the last of 3 consecutive A bases (chrX:22,099,146-22,099,148); deleting any one gives the same sequence. VCF-style (leftmost placement, unchanged base first): chrX-22099145-GA-G. GRCh37 (hg19) VCF-style: chrX-22117263-GA-G.
Other names: c.1076del, p.Lys359fs (NM_001282754.2); short protein forms K359fs.
Identifiers: ClinVar variation 2762893 (VCV002762893.3), dbSNP rs2519780140, ClinGen allele CA2697552899.